The following is an entry in ClinVar:

ClinVar aggregate classification (germline): Likely benign. Review status: criteria provided, single submitter (1 of 4 stars). 2 submissions from 2 submitters: Likely benign (1). 1 of the submissions does not count toward it. Last evaluated 2025-09-14.

Conditions:
Immunodeficiency 35 (IMD35). Also called: TYK2 DEFICIENCY; HIES WITH ATYPICAL MYCOBACTERIOSIS, AUTOSOMAL RECESSIVE; HYPER-IgE SYNDROME WITH ATYPICAL MYCOBACTERIOSIS, AUTOSOMAL RECESSIVE; Susceptibility to infection due to TYK2 deficiency. Identifiers: Orphanet 331226, MedGen C1969086, MONDO:0012682, OMIM 611521.
TYK2-related disorder. Also called: TYK2-related condition.

gnomAD v4.1: 12 of 1,602,536 alleles (0.00075%); highest among the groups gnomAD compares: Middle Eastern, 0.051%; no homozygotes.

Submissions (2):

Labcorp Genetics (formerly Invitae), Labcorp
Classification: Likely benign for Immunodeficiency 35. Last evaluated: 2025-09-14. Review status: criteria provided, single submitter. Criteria: Invitae Variant Classification Sherloc (09022015). Collection method: clinical testing. Allele origin: germline.

PreventionGenetics, part of Exact Sciences
Classification: Likely benign for TYK2-related condition. Last evaluated: 2019-09-23. Review status: no assertion criteria provided. Collection method: clinical testing. Allele origin: germline. Not counted in ClinVar's aggregate classification.
Comment: This variant is classified as likely benign based on ACMG/AMP sequence variant interpretation guidelines (Richards et al. 2015 PMID: 25741868, with internal and published modifications).

NM_003331.5(TYK2):c.630-6C>T

Gene: TYK2 (tyrosine kinase 2; minus strand). Cytogenetic location: 19p13.2.
Variant type: single nucleotide variant.
Coding change: c.630-6C>T on transcript NM_003331.5 (MANE Select); 6 bases into the intron before coding-DNA position 630, C replaced by T.
Molecular consequence: intron variant.
Genome position (GRCh38, 1-based): chr19:10,365,904, G>A on the plus strand (C>T on the coding strand, the complement: TYK2 is on the minus strand). VCF-style: chr19-10365904-G-A. GRCh37 (hg19) VCF-style: chr19-10476580-G-A.
Other names: c.630-6C>T (NM_003331.4, NM_001385199.1, NM_001406461.1 and 9 more transcripts); c.630-96C>T (NM_001385205.1).
Identifiers: ClinVar variation 3021493 (VCV003021493.5), dbSNP rs1297456436, ClinGen allele CA631725529.